The following is an entry in ClinVar:

NM_018896.5(CACNA1G):c.5961G>A (p.Thr1987=)

Gene: CACNA1G (calcium voltage-gated channel subunit alpha1 G; plus strand). Cytogenetic location: 17q21.33.
Variant type: single nucleotide variant.
Coding change: c.5961G>A on transcript NM_018896.5 (MANE Select); coding-DNA position 5961, G replaced by A.
Protein change: p.Thr1987=; no amino-acid change (threonine 1987 retained).
Molecular consequence: synonymous variant. On other transcripts: intron variant (24).
Genome position (GRCh38, 1-based): chr17:50,621,695, G>A. VCF-style: chr17-50621695-G-A. GRCh37 (hg19) VCF-style: chr17-48699056-G-A.
Other names: c.5928G>A, p.Thr1976= (NM_198377.3); c.5748G>A, p.Thr1916= (NM_198383.3); c.5859G>A, p.Thr1953= (NM_198396.3); c.5803-2212G>A (NM_001256325.2); c.5892+1869G>A (NM_198380.3); c.5749-2212G>A (NM_198378.3, NM_001256334.2); c.5925+1869G>A (NM_198385.3); c.5782-2212G>A (NM_198384.3, NM_001256333.2); and 15 more.
Identifiers: ClinVar variation 2647930 (VCV002647930.24), dbSNP rs199940739, ClinGen allele CA500884994.
Genomic context (GRCh38, chr17:50,621,695, plus strand): 5'-CCTGATCATCTCTCTCCCTGTCTAGATCCCTCTAGCTGAGATGGAGGCTCTGTCTCTGAC[G>A]TCAGAGATTGTGTCTGAACCGTCCTGCTCTCTAGCTCTGACGGATGACTCTTTGCCTGAT-3'
Protein context (NP_061496.2, residues 1977-1997): PLAEMEALSL[Thr1987=]SEIVSEPSCS

ClinVar aggregate classification (germline): Likely benign (1 of 4 stars; one submission).

gnomAD v4.1: 4 of 1,613,856 alleles (0.00025%); highest among the groups gnomAD compares: Admixed American, 0.0017%; no homozygotes.

Submission:

CeGaT Center for Human Genetics Tuebingen
Classification: Likely benign. Last evaluated: 2022-06-01. Review status: criteria provided, single submitter. Criteria: CeGaT Center For Human Genetics Tuebingen Variant Classification Criteria Version 2. Collection method: clinical testing. Allele origin: germline. Affected: yes. Observed: 1 variant allele.
Comment: CACNA1G: BP4, BP7